The following is an entry in ClinVar:

NM_000551.4(VHL):c.340+763T>C

Genes: VHL (von Hippel-Lindau tumor suppressor; plus strand), LOC107303340 (3p25 von Hippel-Lindau tumor suppressor, E3 ubiquitin protein ligase Alu-mediated recombination region; plus strand). Cytogenetic location: 3p25.3.
Variant type: single nucleotide variant.
Coding change: c.340+763T>C on transcript NM_000551.4 (MANE Select); 763 bases into the intron after coding-DNA position 340, T replaced by C.
Molecular consequence: intron variant. On other transcripts: synonymous variant (1).
Genome position (GRCh38, 1-based): chr3:10,142,950, T>C. VCF-style: chr3-10142950-T-C. GRCh37 (hg19) VCF-style: chr3-10184634-T-C.
Other names: c.528T>C, p.Cys176= (NM_001354723.2); c.340+763T>C (NM_198156.3).
Identifiers: ClinVar variation 1018197 (VCV001018197.9), dbSNP rs1696163399, ClinGen allele CA1345067502.

ClinVar aggregate classification (germline): Uncertain significance (1 of 4 stars; one submission).

Conditions:
Chuvash polycythemia. Also called: POLYCYTHEMIA, VHL-DEPENDENT. Identifiers: Orphanet 238557, MedGen C1837915, MONDO:0009892, OMIM 263400.
Von Hippel-Lindau syndrome (VHLS). Also called: VHL syndrome; von Hippel–Lindau syndrome; Von Hippel-Lindau. Identifiers: Orphanet 892, MedGen C0019562, MONDO:0008667, OMIM 193300. Disease mechanism: loss of function.

Submission:

Labcorp Genetics (formerly Invitae), Labcorp
Classification: Uncertain significance for Von Hippel-Lindau syndrome; Chuvash polycythemia. Last evaluated: 2020-09-30. Review status: criteria provided, single submitter. Criteria: Invitae Variant Classification Sherloc (09022015). Collection method: clinical testing. Allele origin: germline.
Comment: The frequency data for this variant in the population databases is considered unreliable, as metrics indicate insufficient coverage at this position in the ExAC database. In summary, the available evidence is currently insufficient to determine the role of this variant in disease. Therefore, it has been classified as a Variant of Uncertain Significance. Experimental studies and prediction algorithms are not available or were not evaluated, and the functional significance of this variant is currently unknown. This variant has not been reported in the literature in individuals with VHL-related conditions. This sequence change falls in intron 1 of the VHL gene. It is not expected to change the encoded amino acid sequence of the VHL protein. However, this sequence change falls within a cryptic exon in the VHL gene, known as exon E1’, which is naturally expressed at low levels in several human tissues (PMID: 29891534).

Literature cited by the submitters: PubMed 29891534.